The following is an entry in ClinVar:

NM_021930.6(RINT1):c.377A>G (p.His126Arg)

Gene: RINT1 (RAD50 interactor 1; plus strand). Cytogenetic location: 7q22.3.
Variant type: single nucleotide variant.
Coding change: c.377A>G on transcript NM_021930.6 (MANE Select); coding-DNA position 377, A replaced by G.
Protein change: p.His126Arg; replaces histidine 126 with arginine.
Molecular consequence: missense variant. On other transcripts: 5 prime UTR variant (3), non-coding transcript variant (1).
Genome position (GRCh38, 1-based): chr7:105,542,511, A>G. VCF-style: chr7-105542511-A-G. GRCh37 (hg19) VCF-style: chr7-105182958-A-G.
Other names: c.143A>G, p.His48Arg (NM_001346599.2); c.-643A>G (NM_001346600.2); c.-546A>G (NM_001346601.2); c.-166A>G (NM_001346603.2); short protein forms H126R, H48R.
Identifiers: ClinVar variation 1444012 (VCV001444012.8), dbSNP rs1790499902, ClinGen allele CA368803300.

ClinVar aggregate classification (germline): Uncertain significance. Review status: criteria provided, multiple submitters, no conflicts (2 of 4 stars). 2 submissions from 2 submitters: Uncertain significance (2). Last evaluated 2022-09-25.

Allele frequency attached by ClinVar (database versions not stated): gnomAD exomes below 0.00001.
gnomAD v4.1: 1 of 1,614,180 alleles (0.000062%); highest among the groups gnomAD compares: African/African-American, 0.0013%; no homozygotes.

Submissions (2):

Ambry Genetics
Classification: Uncertain significance. Last evaluated: 2022-09-25. Review status: criteria provided, single submitter. Criteria: Ambry Variant Classification Scheme 2023. Collection method: clinical testing. Allele origin: germline.
Comment: The p.H126R variant (also known as c.377A>G), located in coding exon 4 of the RINT1 gene, results from an A to G substitution at nucleotide position 377. The histidine at codon 126 is replaced by arginine, an amino acid with highly similar properties. This amino acid position is conserved. In addition, this alteration is predicted to be tolerated by in silico analysis. Since supporting evidence is limited at this time, the clinical significance of this alteration remains unclear.

Labcorp Genetics (formerly Invitae), Labcorp
Classification: Uncertain significance. Last evaluated: 2021-09-21. Review status: criteria provided, single submitter. Criteria: Invitae Variant Classification Sherloc (09022015). Collection method: clinical testing. Allele origin: germline.
Comment: In summary, the available evidence is currently insufficient to determine the role of this variant in disease. Therefore, it has been classified as a Variant of Uncertain Significance. Algorithms developed to predict the effect of missense changes on protein structure and function output the following: SIFT: "Tolerated"; PolyPhen-2: "Benign"; Align-GVGD: "Class C0". The arginine amino acid residue is found in multiple mammalian species, which suggests that this missense change does not adversely affect protein function. This variant has not been reported in the literature in individuals affected with RINT1-related conditions. This variant is not present in population databases (ExAC no frequency). This sequence change replaces histidine with arginine at codon 126 of the RINT1 protein (p.His126Arg). The histidine residue is moderately conserved and there is a small physicochemical difference between histidine and arginine.